The following is an entry in ClinVar:

NM_014946.4(SPAST):c.487dup (p.Ile163fs)

Gene: SPAST (spastin; plus strand). Cytogenetic location: 2p22.3.
Variant type: Duplication.
Coding change: c.487dup on transcript NM_014946.4 (MANE Select); coding-DNA position 487, one base duplicated (A; older notation c.487dupA).
Protein change: p.Ile163fs; shifts the reading frame from isoleucine 163.
Molecular consequence: frameshift variant.
Genome position (GRCh38, 1-based): chr2:32,087,563, A duplicated. VCF-style (leftmost placement, unchanged base first): chr2-32087562-T-TA. GRCh37 (hg19) VCF-style: chr2-32312631-T-TA.
Other names: c.484dup, p.Ile162fs (NM_001363823.2, NM_001363875.2); c.487dup, p.Ile163fs (NM_001377959.1, NM_199436.2); short protein forms I163fs, I162fs.
Identifiers: ClinVar variation 3656667 (VCV003656667.2).

ClinVar aggregate classification (germline): Pathogenic (1 of 4 stars; one submission).

Conditions:
Hereditary spastic paraplegia 4. Also called: Spastic paraplegia 4, autosomal dominant; Spastic Paraplegia 4; Familial spastic paraplegia autosomal dominant 2. Identifiers: Orphanet 100985, MedGen C1866855, MONDO:0008438, OMIM 182601.

Submission:

Labcorp Genetics (formerly Invitae), Labcorp
Classification: Pathogenic for Hereditary spastic paraplegia 4. Last evaluated: 2024-09-15. Review status: criteria provided, single submitter. Criteria: Invitae Variant Classification Sherloc (09022015). Collection method: clinical testing. Allele origin: germline.
Comment: This sequence change creates a premature translational stop signal (p.Ile163Asnfs*7) in the SPAST gene. It is expected to result in an absent or disrupted protein product. Loss-of-function variants in SPAST are known to be pathogenic (PMID: 20932283). This variant is not present in population databases (gnomAD no frequency). This variant has not been reported in the literature in individuals affected with SPAST-related conditions. For these reasons, this variant has been classified as Pathogenic.

Literature cited by the submitters: PubMed 20932283.